The following is an entry in ClinVar:

ClinVar aggregate classification (germline): Uncertain significance (1 of 4 stars; one submission).

Conditions:
Congenital heart defects, dysmorphic facial features, and intellectual developmental disorder (CHDFIDD). Identifiers: Orphanet 646278, MedGen C4479246, MONDO:0044302, OMIM 617360.

gnomAD v4.1: 2 of 1,614,144 alleles (0.00012%); highest among the groups gnomAD compares: Non-Finnish European, 0.00017%; no homozygotes.

Submission:

Victorian Clinical Genetics Services, Murdoch Childrens Research Institute
Classification: Uncertain significance for Congenital heart defects, dysmorphic facial features, and intellectual developmental disorder. Last evaluated: 2022-02-02. Review status: criteria provided, single submitter. Criteria: ACMG Guidelines, 2015. Collection method: clinical testing. Allele origin: germline. Inheritance: Autosomal dominant inheritance.
Comment: Based on the classification scheme VCGS_Germline_v1.3.4, this variant is classified as VUS-3C. Following criteria are met: 0105 - The mechanism of disease for this gene is not clearly established. However, both loss-of-function and dominant-negative have been suggested (GeneReviews). (I) 0107 - This gene is associated with autosomal dominant disease. (I) 0200 - Variant is predicted to result in a missense amino acid change from leucine to phenylalanine. (I) 0251 - This variant is heterozygous. (I) 0301 - Variant is absent from gnomAD (both v2 and v3). (SP) 0502 - Missense variant with conflicting in silico predictions and uninformative conservation. (I) 0604 - Variant is not located in an established domain, motif, hotspot or informative constraint region. (I) 0705 - No comparable missense variants have previous evidence for pathogenicity. (I) 0807 - This variant has no previous evidence of pathogenicity. (I) 0905 - No published segregation evidence has been identified for this variant. (I) 1007 - No published functional evidence has been identified for this variant. (I) 1208 - Inheritance information for this variant is not currently available in this individual. (I) Legend: (SP) - Supporting pathogenic, (I) - Information, (SB) - Supporting benign

NM_003718.5(CDK13):c.3261A>T (p.Leu1087Phe)

Gene: CDK13 (cyclin dependent kinase 13; plus strand). Cytogenetic location: 7p14.1.
Variant type: single nucleotide variant.
Coding change: c.3261A>T on transcript NM_003718.5 (MANE Select); coding-DNA position 3261, A replaced by T.
Protein change: p.Leu1087Phe; replaces leucine 1087 with phenylalanine.
Molecular consequence: missense variant. On other transcripts: intron variant (1).
Genome position (GRCh38, 1-based): chr7:40,092,810, A>T. VCF-style: chr7-40092810-A-T. GRCh37 (hg19) VCF-style: chr7-40132409-A-T.
Other names: c.3236-155A>T (NM_031267.3); short protein forms L1087F.
Identifiers: ClinVar variation 1699212 (VCV001699212.3), dbSNP rs2150547167, ClinGen allele CA367294282.